The following is an entry in ClinVar:

NM_003718.5(CDK13):c.484del (p.Ala162fs)

Genes: CDK13 (cyclin dependent kinase 13; plus strand), LOC129998292 (ATAC-STARR-seq lymphoblastoid silent region 18115; plus strand). Cytogenetic location: 7p14.1.
Variant type: Deletion.
Coding change: c.484del on transcript NM_003718.5 (MANE Select); coding-DNA position 484, one base deleted (G; older notation c.484delG).
Protein change: p.Ala162fs; shifts the reading frame from alanine 162.
Molecular consequence: frameshift variant.
Genome position (GRCh38, 1-based): chr7:39,951,125, G deleted; the last of 8 consecutive G bases (chr7:39,951,118-39,951,125); deleting any one gives the same sequence. VCF-style (leftmost placement, unchanged base first): chr7-39951117-TG-T. GRCh37 (hg19) VCF-style: chr7-39990716-TG-T.
Other names: c.484delG, p.Ala162Profs (NM_031267.4); short protein forms A162fs.
Identifiers: ClinVar variation 3634441 (VCV003634441.3).

ClinVar aggregate classification (germline): Conflicting classifications of pathogenicity. Review status: criteria provided, conflicting classifications (1 of 4 stars). 2 submissions from 2 submitters: Pathogenic (1); Uncertain significance (1). Last evaluated 2024-11-05.

Submissions (2):

Labcorp Genetics (formerly Invitae), Labcorp
Classification: Pathogenic. Last evaluated: 2024-11-05. Review status: criteria provided, single submitter. Criteria: Invitae Variant Classification Sherloc (09022015). Collection method: clinical testing. Allele origin: germline.
Comment: This sequence change creates a premature translational stop signal (p.Ala162Profs*174) in the CDK13 gene. It is expected to result in an absent or disrupted protein product. Loss-of-function variants in CDK13 are known to be pathogenic (PMID: 27479907, 29021403, 29393965). This variant is not present in population databases (gnomAD no frequency). This variant has not been reported in the literature in individuals affected with CDK13-related conditions. For these reasons, this variant has been classified as Pathogenic.

GeneDx
Classification: Uncertain significance. Last evaluated: 2024-10-23. Review status: criteria provided, single submitter. Criteria: GeneDx Variant Classification Process June 2021. Collection method: clinical testing. Allele origin: germline. Affected: yes.
Comment: Not observed at significant frequency in large population cohorts (gnomAD); Frameshift variant predicted to result in protein truncation or nonsense mediated decay in a gene or region of a gene for which loss of function is not a well-established mechanism of disease; Has not been previously published as pathogenic or benign to our knowledge

Literature cited by the submitters: PubMed 27479907 (cited by Labcorp Genetics (formerly Invitae), Labcorp); PubMed 29021403 (cited by Labcorp Genetics (formerly Invitae), Labcorp); PubMed 29393965 (cited by Labcorp Genetics (formerly Invitae), Labcorp).